The following is an entry in ClinVar:

ClinVar aggregate classification (germline): Uncertain significance (1 of 4 stars; one submission).

Conditions:
POLD1-related polyposis and colorectal cancer syndrome (CRCS10). Also called: COLORECTAL CANCER, SUSCEPTIBILITY TO, ON CHROMOSOME 19q; Colorectal cancer 10; Colorectal cancer, susceptibility to, 10. Identifiers: Orphanet 220460, MedGen C2675481, MONDO:0012953, OMIM 612591.

Submission:

Labcorp Genetics (formerly Invitae), Labcorp
Classification: Uncertain significance for POLD1-related polyposis and colorectal cancer syndrome. Last evaluated: 2021-11-26. Review status: criteria provided, single submitter. Criteria: Invitae Variant Classification Sherloc (09022015). Collection method: clinical testing. Allele origin: germline.
Comment: This variant results in a copy number gain of the genomic region encompassing exon(s) 2-19 of the POLD1 gene. This region includes the initiator codon of the gene. This copy number gain extends beyond the assayed region for this gene and therefore may encompass additional genes. As the precise location of this event is unknown, it may be in tandem or it may be located elsewhere in the genome. This variant has not been reported in the literature in individuals affected with POLD1-related conditions. In summary, the available evidence is currently insufficient to determine the role of this variant in disease. Therefore, it has been classified as a Variant of Uncertain Significance.

NC_000019.9:g.(?_50887648)_(50917146_?)dup

Gene: POLD1 (DNA polymerase delta 1, catalytic subunit; plus strand). Cytogenetic location: 19q13.33.
Variant type: Duplication.
Identifiers: ClinVar variation 2424520 (VCV002424520.3).